The following is an entry in ClinVar:

NM_001793.6(CDH3):c.1651C>T (p.Arg551Cys)

Gene: CDH3 (cadherin 3; plus strand). Cytogenetic location: 16q22.1.
Variant type: single nucleotide variant.
Coding change: c.1651C>T on transcript NM_001793.6 (MANE Select); coding-DNA position 1651, C replaced by T.
Protein change: p.Arg551Cys; replaces arginine 551 with cysteine.
Molecular consequence: missense variant.
Genome position (GRCh38, 1-based): chr16:68,687,592, C>T. VCF-style: chr16-68687592-C-T. GRCh37 (hg19) VCF-style: chr16-68721495-C-T.
Other names: c.1651C>T, p.Arg551Cys (NM_001317195.3); c.1486C>T, p.Arg496Cys (NM_001317196.2); c.1651C>T (NM_001793.4); short protein forms R496C, R551C.
Identifiers: ClinVar variation 1392976 (VCV001392976.7), dbSNP rs1347722198, ClinGen allele CA396454731.

ClinVar aggregate classification (germline): Uncertain significance. Review status: criteria provided, multiple submitters, no conflicts (2 of 4 stars). 3 submissions from 3 submitters: Uncertain significance (3). Last evaluated 2025-11-08.

Conditions:
Inborn genetic diseases. Identifiers: MedGen C0950123, MeSH D030342.

Allele frequency attached by ClinVar (database versions not stated): gnomAD exomes 0.00001 and 0.00005; TOPMed 0.00004; gnomAD 0.00005 and 0.00006.
gnomAD v4.1: 80 of 1,613,992 alleles (0.005%); highest among the groups gnomAD compares: East Asian, 0.0089%; no homozygotes.

Submissions (3):

Ambry Genetics
Classification: Uncertain significance for Inborn genetic diseases. Last evaluated: 2025-11-08. Review status: criteria provided, single submitter. Criteria: Ambry Variant Classification Scheme 2023. Collection method: clinical testing. Allele origin: germline.

Labcorp Genetics (formerly Invitae), Labcorp
Classification: Uncertain significance. Last evaluated: 2024-11-05. Review status: criteria provided, single submitter. Criteria: Invitae Variant Classification Sherloc (09022015). Collection method: clinical testing. Allele origin: germline.
Comment: This sequence change replaces arginine, which is basic and polar, with cysteine, which is neutral and slightly polar, at codon 551 of the CDH3 protein (p.Arg551Cys). This variant is present in population databases (no rsID available, gnomAD 0.005%). This variant has not been reported in the literature in individuals affected with CDH3-related conditions. ClinVar contains an entry for this variant (Variation ID: 1392976). Invitae Evidence Modeling of protein sequence and biophysical properties (such as structural, functional, and spatial information, amino acid conservation, physicochemical variation, residue mobility, and thermodynamic stability) indicates that this missense variant is not expected to disrupt CDH3 protein function with a negative predictive value of 80%. In summary, the available evidence is currently insufficient to determine the role of this variant in disease. Therefore, it has been classified as a Variant of Uncertain Significance.

Blueprint Genetics
Classification: Uncertain significance. Last evaluated: 2023-04-03. Review status: criteria provided, single submitter. Criteria: ACMG Guidelines, 2015. Collection method: clinical testing. Allele origin: germline.